The following is an entry in ClinVar:

ClinVar aggregate classification (germline): Likely benign (1 of 4 stars; one submission).

Conditions:
Leigh syndrome (NULS). Also called: Leigh's necrotizing encephalopathy; Leigh's disease; Leigh Syndrome (mtDNA deletion); Leigh Disease; Subacute necrotizing encephalopathy; Necrotizing encephalopathy infantile subacute of Leigh. Identifiers: Orphanet 506, MedGen C2931891, MONDO:0009723, OMIM 256000.

Submission:

Wong Mito Lab, Molecular and Human Genetics, Baylor College of Medicine
Classification: Likely benign for Leigh syndrome. Last evaluated: 2019-10-17. Review status: criteria provided, single submitter. Criteria: Modified ACMG Guidelines (Unpublished). Collection method: clinical testing. Allele origin: germline.
Comment: The NC_012920.1:m.4689A>G (YP_003024027.1:p.Ile74Val) variant in MTND2 gene is interpretated to be a Likely Benign variant based on the modified ACMG guidelines (unpublished). This variant meets the following evidence codes: BS4, BP5

NC_012920.1(MT-ND2):m.4689A>G

Gene: MT-ND2 (mitochondrially encoded NADH dehydrogenase 2; plus strand).
Variant type: single nucleotide variant.
Genome position: chrM-4689-A-G.
Identifiers: ClinVar variation 692479 (VCV000692479.1), dbSNP rs1603219555, ClinGen allele CA414775317.